The following is an entry in ClinVar:

ClinVar aggregate classification (germline): Benign (1 of 4 stars; one submission).

Allele frequency attached by ClinVar (database versions not stated): 1000 Genomes Project 0.05950; 1000 Genomes Project 30x 0.06012; TOPMed 0.08651; gnomAD 0.09008; ESP Exome Variant Server 0.10731; gnomAD exomes 0.11656.
gnomAD v4.1: 175,794 of 1,544,294 alleles (11%); highest among the groups gnomAD compares: Non-Finnish European, 13%; 10,911 homozygotes.

Submission:

Unidad de Genómica Garrahan, Hospital de Pediatría Garrahan
Classification: Benign. Last evaluated: 2024-01-24. Review status: criteria provided, single submitter. Criteria: ACMG Guidelines, 2015. Collection method: clinical testing. Allele origin: germline. Affected: no. Observed: 18 variant alleles.
Comment: This variant is classified as Benign based on local population frequency. This variant was detected in 20% of patients studied by a panel of primary immunodeficiencies. Number of patients: 18. Only high quality variants are reported.

NM_001040458.3(ERAP1):c.*95G>A

Gene: ERAP1 (endoplasmic reticulum aminopeptidase 1; minus strand). Cytogenetic location: 5q15.
Variant type: single nucleotide variant.
Coding change: c.*95G>A on transcript NM_001040458.3 (MANE Select); 95 bases downstream of the stop codon, G replaced by A.
Molecular consequence: 3 prime UTR variant. On other transcripts: intron variant (2).
Genome position (GRCh38, 1-based): chr5:96,776,301, C>T on the plus strand (G>A on the coding strand, the complement: ERAP1 is on the minus strand). VCF-style: chr5-96776301-C-T. GRCh37 (hg19) VCF-style: chr5-96112005-C-T.
Other names: c.*95G>A (NM_001198541.3); c.2818+103G>A (NM_001349244.2, NM_016442.5).
Identifiers: ClinVar variation 2688516 (VCV002688516.2), dbSNP rs10515248, ClinGen allele CA15367634.